The following is an entry in ClinVar:

ClinVar aggregate classification (germline): Pathogenic. Review status: criteria provided, multiple submitters, no conflicts (2 of 4 stars). 3 submissions from 3 submitters: Pathogenic (3). Last evaluated 2025-07-31.

Conditions:
Lynch syndrome 5 (LYNCH5). Also called: Hereditary non-polyposis colorectal cancer, type 5; Colorectal cancer, hereditary nonpolyposis, type 5. Identifiers: Orphanet 144, MedGen C1833477, MONDO:0013710, OMIM 614350. Disease mechanism: loss of function.
Hereditary nonpolyposis colorectal neoplasms. Identifiers: MedGen C0009405, MeSH D003123.
Hereditary cancer-predisposing syndrome. Also called: Hereditary Cancer Syndrome; Neoplastic Syndromes, Hereditary; Hereditary neoplastic syndrome; Tumor predisposition. Identifiers: Orphanet 140162, MedGen C0027672, MeSH D009386, MONDO:0015356.

Submissions (3):

Labcorp Genetics (formerly Invitae), Labcorp
Classification: Pathogenic for Hereditary nonpolyposis colorectal neoplasms. Last evaluated: 2025-07-31. Review status: criteria provided, single submitter. Criteria: Invitae Variant Classification Sherloc (09022015). Collection method: clinical testing. Allele origin: germline.
Comment: This sequence change creates a premature translational stop signal (p.Glu1193Asnfs*2) in the MSH6 gene. It is expected to result in an absent or disrupted protein product. Loss-of-function variants in MSH6 are known to be pathogenic (PMID: 18269114, 24362816). This variant is not present in population databases (gnomAD no frequency). This variant has not been reported in the literature in individuals affected with MSH6-related conditions. ClinVar contains an entry for this variant (Variation ID: 428377). For these reasons, this variant has been classified as Pathogenic.

Myriad Genetics, Inc.
Classification: Pathogenic for Lynch syndrome 5. Last evaluated: 2023-08-24. Review status: criteria provided, single submitter. Criteria: Myriad Autosomal Dominant, Autosomal Recessive and X-Linked Classification Criteria (2023). Collection method: clinical testing. Allele origin: unknown.
Comment: This variant is considered pathogenic. This variant creates a frameshift predicted to result in premature protein truncation.

Ambry Genetics
Classification: Pathogenic for Hereditary cancer-predisposing syndrome. Last evaluated: 2022-06-13. Review status: criteria provided, single submitter. Criteria: Ambry Variant Classification Scheme 2023. Collection method: clinical testing. Allele origin: germline.
Comment: The c.3577delG pathogenic mutation, located in coding exon 7 of the MSH6 gene, results from a deletion of one nucleotide at nucleotide position 3577, causing a translational frameshift with a predicted alternate stop codon (p.E1193Nfs*2). This alteration is expected to result in loss of function by premature protein truncation or nonsense-mediated mRNA decay. As such, this alteration is interpreted as a disease-causing mutation.

Literature cited by the submitters: PubMed 18269114 (cited by Labcorp Genetics (formerly Invitae), Labcorp); PubMed 24362816 (cited by Labcorp Genetics (formerly Invitae), Labcorp).

NM_000179.3(MSH6):c.3577del (p.Glu1193fs)

Gene: MSH6 (mutS homolog 6; plus strand). Cytogenetic location: 2p16.3.
Variant type: Deletion.
Coding change: c.3577del on transcript NM_000179.3 (MANE Select); coding-DNA position 3577, one base deleted (G; older notation c.3577delG).
Protein change: p.Glu1193fs; shifts the reading frame from glutamic acid 1193.
Molecular consequence: frameshift variant.
Genome position (GRCh38, 1-based): chr2:47,805,638, G deleted. VCF-style (leftmost placement, unchanged base first): chr2-47805637-TG-T. GRCh37 (hg19) VCF-style: chr2-48032776-TG-T.
Other names: c.3187del, p.Glu1063fs (NM_001281492.2); c.2671del, p.Glu891fs (NM_001281493.2, NM_001281494.2); c.3577delG (NM_000179.2); short protein forms E1063fs, E1193fs, E891fs.
Identifiers: ClinVar variation 428377 (VCV000428377.11), dbSNP rs1114167755, ClinGen allele CA645369304.